The following is an entry in ClinVar:

NM_005909.5(MAP1B):c.5190G>A (p.Pro1730=)

Gene: MAP1B (microtubule associated protein 1B; plus strand). Cytogenetic location: 5q13.2.
Variant type: single nucleotide variant.
Coding change: c.5190G>A on transcript NM_005909.5 (MANE Select); coding-DNA position 5190, G replaced by A.
Protein change: p.Pro1730=; no amino-acid change (proline 1730 retained).
Molecular consequence: synonymous variant.
Genome position (GRCh38, 1-based): chr5:72,198,545, G>A. VCF-style: chr5-72198545-G-A. GRCh37 (hg19) VCF-style: chr5-71494372-G-A.
Other names: c.4812G>A, p.Pro1604= (NM_001324255.2).
Identifiers: ClinVar variation 5039804 (VCV005039804.1).

ClinVar aggregate classification (germline): Likely benign (1 of 4 stars; one submission).

gnomAD v4.1: 55 of 1,613,848 alleles (0.0034%); highest among the groups gnomAD compares: Admixed American, 0.033%; no homozygotes.

Submission:

CeGaT Center for Human Genetics Tuebingen
Classification: Likely benign. Last evaluated: 2026-08-01. Review status: criteria provided, single submitter. Criteria: CeGaT Center For Human Genetics Tuebingen Variant Classification Criteria Version 2. Collection method: clinical testing. Allele origin: germline. Affected: yes. Observed: 2 variant alleles.
Comment: MAP1B: BP4, BP7